The following is an entry in ClinVar:

NM_002968.3(SALL1):c.2862C>T (p.Ser954=)

Gene: SALL1 (spalt like transcription factor 1; minus strand). Cytogenetic location: 16q12.1.
Variant type: single nucleotide variant.
Coding change: c.2862C>T on transcript NM_002968.3 (MANE Select); coding-DNA position 2862, C replaced by T.
Protein change: p.Ser954=; no amino-acid change (serine 954 retained).
Molecular consequence: synonymous variant.
Genome position (GRCh38, 1-based): chr16:51,139,360, G>A on the plus strand (C>T on the coding strand, the complement: SALL1 is on the minus strand). VCF-style: chr16-51139360-G-A. GRCh37 (hg19) VCF-style: chr16-51173271-G-A.
Other names: c.2571C>T, p.Ser857= (NM_001127892.2).
Identifiers: ClinVar variation 2897040 (VCV002897040.3), dbSNP rs775808496, ClinGen allele CA8053025.
Genomic context (GRCh38, chr16:51,139,360, plus strand): 5'-AGATGTCAAATCCAAAGCCCCACCATTCACTGGGGTGGGAGACAAACCATTGGCAAACTC[G>A]CTTGGGACCGCTCTCTGTGGTTTCTCCTCAATGCTGGGTGACTTGTGGAACTCCTGCGTG-3'
Protein context (NP_002959.2, residues 944-964): IEEKPQRAVP[Ser954=]EFANGLSPTP

ClinVar aggregate classification (germline): Uncertain significance (1 of 4 stars; one submission).

Conditions:
Townes syndrome (TBS). Also called: Townes-Brocks syndrome. Identifiers: Orphanet 857, MedGen C0265246, MeSH C536974, MONDO:0007142.

Allele frequency attached by ClinVar (database versions not stated): ExAC 0.00001; gnomAD 0.00001; gnomAD exomes 0.00001; TOPMed 0.00002.
gnomAD v4.1: 24 of 1,613,992 alleles (0.0015%); highest among the groups gnomAD compares: Middle Eastern, 0.016%; no homozygotes.

Submission:

Labcorp Genetics (formerly Invitae), Labcorp
Classification: Uncertain significance for Townes syndrome. Last evaluated: 2023-12-01. Review status: criteria provided, single submitter. Criteria: Invitae Variant Classification Sherloc (09022015). Collection method: clinical testing. Allele origin: germline.
Comment: This sequence change affects codon 954 of the SALL1 mRNA. It is a 'silent' change, meaning that it does not change the encoded amino acid sequence of the SALL1 protein. This variant is present in population databases (rs775808496, gnomAD 0.006%). This variant has not been reported in the literature in individuals affected with SALL1-related conditions. Algorithms developed to predict the effect of sequence changes on RNA splicing suggest that this variant may create or strengthen a splice site. In summary, the available evidence is currently insufficient to determine the role of this variant in disease. Therefore, it has been classified as a Variant of Uncertain Significance.